The following is an entry in ClinVar:

ClinVar aggregate classification (germline): Uncertain significance (1 of 4 stars; one submission).

gnomAD v4.1: 1 of 1,613,802 alleles (0.000062%); highest among the groups gnomAD compares: African/African-American, 0.0013%; no homozygotes.

Submission:

GeneDx
Classification: Uncertain significance. Last evaluated: 2025-03-06. Review status: criteria provided, single submitter. Criteria: GeneDx Variant Classification Process June 2021. Collection method: clinical testing. Allele origin: germline. Affected: yes.
Comment: Not observed at significant frequency in large population cohorts (gnomAD); In silico analysis indicates that this missense variant does not alter protein structure/function; Has not been previously published as pathogenic or benign to our knowledge; This substitution is predicted to be within the C-terminal cytoplasmic domain

NM_001040142.2(SCN2A):c.5845A>G (p.Thr1949Ala)

Gene: SCN2A (sodium voltage-gated channel alpha subunit 2; plus strand). Cytogenetic location: 2q24.3.
Variant type: single nucleotide variant.
Coding change: c.5845A>G on transcript NM_001040142.2 (MANE Select); coding-DNA position 5845, A replaced by G.
Protein change: p.Thr1949Ala; replaces threonine 1949 with alanine.
Molecular consequence: missense variant.
Genome position (GRCh38, 1-based): chr2:165,389,651, A>G. VCF-style: chr2-165389651-A-G. GRCh37 (hg19) VCF-style: chr2-166246161-A-G.
Other names: c.5845A>G, p.Thr1949Ala (NM_001040143.2, NM_001371246.1, NM_001371247.1 and 1 more transcripts); short protein forms T1949A.
Identifiers: ClinVar variation 4082843 (VCV004082843.1).